The following is an entry in ClinVar:

ClinVar aggregate classification (germline): Uncertain significance (1 of 4 stars; one submission).

Conditions:
Oligodontia-cancer predisposition syndrome. Also called: TOOTH AGENESIS-COLORECTAL CANCER SYNDROME. Identifiers: Orphanet 300576, MedGen C1837750, MONDO:0012075, OMIM 608615. Disease mechanism: loss of function.

Submission:

Labcorp Genetics (formerly Invitae), Labcorp
Classification: Uncertain significance for Oligodontia-cancer predisposition syndrome. Last evaluated: 2021-02-11. Review status: criteria provided, single submitter. Criteria: Invitae Variant Classification Sherloc (09022015). Collection method: clinical testing. Allele origin: germline.
Comment: In summary, the available evidence is currently insufficient to determine the role of this variant in disease. Therefore, it has been classified as a Variant of Uncertain Significance. Algorithms developed to predict the effect of missense changes on protein structure and function output the following: SIFT: "Deleterious"; PolyPhen-2: "Benign"; Align-GVGD: "Class C0". The glycine amino acid residue is found in multiple mammalian species, suggesting that this missense change does not adversely affect protein function. These predictions have not been confirmed by published functional studies and their clinical significance is uncertain. This variant has not been reported in the literature in individuals with AXIN2-related conditions. This variant is not present in population databases (ExAC no frequency). This sequence change replaces alanine with glycine at codon 684 of the AXIN2 protein (p.Ala684Gly). The alanine residue is highly conserved and there is a small physicochemical difference between alanine and glycine.

NM_004655.4(AXIN2):c.2051C>G (p.Ala684Gly)

Gene: AXIN2 (axin 2; minus strand). Cytogenetic location: 17q24.1.
Variant type: single nucleotide variant.
Coding change: c.2051C>G on transcript NM_004655.4 (MANE Select); coding-DNA position 2051, C replaced by G.
Protein change: p.Ala684Gly; replaces alanine 684 with glycine.
Molecular consequence: missense variant.
Genome position (GRCh38, 1-based): chr17:65,536,410, G>C on the plus strand (C>G on the coding strand, the complement: AXIN2 is on the minus strand). VCF-style: chr17-65536410-G-C. GRCh37 (hg19) VCF-style: chr17-63532528-G-C.
Other names: c.1856C>G, p.Ala619Gly (NM_001363813.1); short protein forms A619G, A684G.
Identifiers: ClinVar variation 1371205 (VCV001371205.8), dbSNP rs138287857, ClinGen allele CA400676083.